The following is an entry in ClinVar:

ClinVar aggregate classification (germline): Uncertain significance (1 of 4 stars; one submission).

Conditions:
Familial hemiplegic migraine. Identifiers: MedGen C0338484, MONDO:0000700.

gnomAD v4.1: 1 of 1,614,190 alleles (0.000062%); no homozygotes.

Submission:

Labcorp Genetics (formerly Invitae), Labcorp
Classification: Uncertain significance for Familial hemiplegic migraine. Last evaluated: 2024-05-15. Review status: criteria provided, single submitter. Criteria: Invitae Variant Classification Sherloc (09022015). Collection method: clinical testing. Allele origin: germline.
Comment: This sequence change replaces alanine, which is neutral and non-polar, with threonine, which is neutral and polar, at codon 346 of the ATP1A2 protein (p.Ala346Thr). This variant is not present in population databases (gnomAD no frequency). This variant has not been reported in the literature in individuals affected with ATP1A2-related conditions. Advanced modeling of protein sequence and biophysical properties (such as structural, functional, and spatial information, amino acid conservation, physicochemical variation, residue mobility, and thermodynamic stability) performed at Invitae indicates that this missense variant is not expected to disrupt ATP1A2 protein function with a negative predictive value of 80%. In summary, the available evidence is currently insufficient to determine the role of this variant in disease. Therefore, it has been classified as a Variant of Uncertain Significance.

NM_000702.4(ATP1A2):c.1036G>A (p.Ala346Thr)

Gene: ATP1A2 (ATPase Na+/K+ transporting subunit alpha 2; plus strand). Cytogenetic location: 1q23.2.
Variant type: single nucleotide variant.
Coding change: c.1036G>A on transcript NM_000702.4 (MANE Select); coding-DNA position 1036, G replaced by A.
Protein change: p.Ala346Thr; replaces alanine 346 with threonine.
Molecular consequence: missense variant.
Genome position (GRCh38, 1-based): chr1:160,128,670, G>A. VCF-style: chr1-160128670-G-A. GRCh37 (hg19) VCF-style: chr1-160098460-G-A.
Other names: short protein forms A346T.
Identifiers: ClinVar variation 2781767 (VCV002781767.3), dbSNP rs2524867761, ClinGen allele CA343239135.
Genomic context (GRCh38, chr1:160,128,670, plus strand): 5'-GCTTCAGCCTTAACCTTTTTTATTCTCCTCTTTCTCTACCAGGTGTGCCTGACCCTGACA[G>A]CCAAGCGCATGGCACGGAAGAACTGCCTGGTGAAGAACCTGGAGGCGGTGGAGACGCTGG-3'
Protein context (NP_000693.1, residues 336-356): ATVTVCLTLT[Ala346Thr]KRMARKNCLV